The following is an entry in ClinVar:

NM_001165967.2(HES7):c.686G>A (p.Trp229Ter)

Genes: HES7 (hes family bHLH transcription factor 7; minus strand), LOC130060203 (ATAC-STARR-seq lymphoblastoid silent region 8155; plus strand). Cytogenetic location: 17p13.1.
Variant type: single nucleotide variant.
Coding change: c.686G>A on transcript NM_001165967.2 (MANE Select); coding-DNA position 686, G replaced by A.
Protein change: p.Trp229Ter; replaces tryptophan 229 with a stop codon.
Molecular consequence: nonsense.
Genome position (GRCh38, 1-based): chr17:8,121,578, C>T on the plus strand (G>A on the coding strand, the complement: HES7 is on the minus strand). VCF-style: chr17-8121578-C-T. GRCh37 (hg19) VCF-style: chr17-8024896-C-T.
Other names: c.671G>A, p.Trp224Ter (NM_032580.4); short protein forms W224*, W229*.
Identifiers: ClinVar variation 4846807 (VCV004846807.1).

ClinVar aggregate classification (germline): Uncertain significance (1 of 4 stars; one submission).

Conditions:
Spondylocostal dysostosis 4, autosomal recessive (SCDO4). Also called: HES7-Related Spondylocostal Dysostosis, Autosomal Recessive. Identifiers: Orphanet 2311, MedGen C3150942, MONDO:0013366, OMIM 613686.

Submission:

Laboratorio de Genetica e Diagnostico Molecular, Hospital Israelita Albert Einstein
Classification: Uncertain significance for Spondylocostal dysostosis 4, autosomal recessive. Last evaluated: 2025-08-27. Review status: criteria provided, single submitter. Criteria: ACMG Guidelines, 2015. Collection method: clinical testing. Allele origin: germline. Affected: yes.
Comment: ACMG classification criteria: PM2 supporting